The following is an entry in ClinVar:

NM_000020.3(ACVRL1):c.988G>A (p.Asp330Asn)

Gene: ACVRL1 (activin A receptor like type 1; plus strand). Cytogenetic location: 12q13.13.
Variant type: single nucleotide variant.
Coding change: c.988G>A on transcript NM_000020.3 (MANE Select); coding-DNA position 988, G replaced by A.
Protein change: p.Asp330Asn; replaces aspartic acid 330 with asparagine.
Molecular consequence: missense variant.
Genome position (GRCh38, 1-based): chr12:51,915,440, G>A. VCF-style: chr12-51915440-G-A. GRCh37 (hg19) VCF-style: chr12-52309224-G-A.
Other names: c.988G>A, p.Asp330Asn (NM_001077401.2, NM_001406487.1, NM_001406488.1 and 1 more transcripts); c.676G>A, p.Asp226Asn (NM_001406490.1, NM_001406491.1, NM_001406492.1 and 2 more transcripts); c.424G>A, p.Asp142Asn (NM_001406495.1); short protein forms D142N, D330N, D226N.
Identifiers: ClinVar variation 1768498 (VCV001768498.2), dbSNP rs2540164775, ClinGen allele CA384901451.

ClinVar aggregate classification (germline): Likely pathogenic (1 of 4 stars; one submission).

Conditions:
Cardiovascular phenotype. Identifiers: MedGen CN230736.

Submission:

Ambry Genetics
Classification: Likely pathogenic for Cardiovascular phenotype. Last evaluated: 2020-11-03. Review status: criteria provided, single submitter. Criteria: Ambry Variant Classification Scheme 2023. Collection method: clinical testing. Allele origin: germline.
Comment: The p.D330N variant (also known as c.988G>A), located in coding exon 6 of the ACVRL1 gene, results from a G to A substitution at nucleotide position 988. The aspartic acid at codon 330 is replaced by asparagine, an amino acid with highly similar properties. This variant has been detected in individuals from hereditary hemorrhagic telangiectasia cohorts (Letteboer TG et al. Hum Genet, 2005 Jan;116:8-16; Prigoda NL et al. J Med Genet, 2006 Sep;43:722-8; Olivieri C et al. J Hum Genet, 2007 Sep;52:820-829). In addition, other variants affecting this codon (p.D330Y (c.988G>T) and p.D330H (c.988G>C)) have been reported in hereditary hemorrhagic telangiectasia cohorts (Olivieri C et al. J Med Genet. 2002;39(7):E39; T&oslash;rring PM et al. Clin Genet. 2014;86(2):123-33). Based on internal structural analysis, this variant is located in the phospho-transfer site and is predicted to be destabilizing (Abdalla SA et al. Eur J Hum Genet. 2003 Apr;11(4):279-87; Ambry internal data). This variant was not reported in population-based cohorts in the Genome Aggregation Database (gnomAD). This amino acid position is highly conserved in available vertebrate species. In addition, the in silico prediction for this alteration is inconclusive. Based on the majority of available evidence to date, this variant is likely to be pathogenic.

Literature cited by the submitters: PubMed 10767348; PubMed 12114496; PubMed 12700602; PubMed 15517393; PubMed 16690726; PubMed 17786384; PubMed 24001356.